The following is an entry in ClinVar:

NM_017636.4(TRPM4):c.2778+1G>A

Gene: TRPM4 (transient receptor potential cation channel subfamily M member 4; plus strand). Cytogenetic location: 19q13.33.
Variant type: single nucleotide variant.
Coding change: c.2778+1G>A on transcript NM_017636.4 (MANE Select); the canonical splice donor site of the intron after coding-DNA position 2778, G replaced by A.
Molecular consequence: splice donor variant.
Genome position (GRCh38, 1-based): chr19:49,200,433, G>A. VCF-style: chr19-49200433-G-A. GRCh37 (hg19) VCF-style: chr19-49703690-G-A.
Other names: c.2343+1G>A (NM_001195227.2); c.1170+1G>A (NM_001321282.2); c.2433+1G>A (NM_001321281.2); c.2256+1G>A (NM_001321283.2); c.1716+1G>A (NM_001321285.2).
Identifiers: ClinVar variation 1061455 (VCV001061455.12), dbSNP rs756554490, ClinGen allele CA9569646.

ClinVar aggregate classification (germline): Uncertain significance. Review status: criteria provided, multiple submitters, no conflicts (2 of 4 stars). 3 submissions from 3 submitters: Uncertain significance (3). Last evaluated 2026-01-26.

Conditions:
Progressive familial heart block type IB (PFHB1B). Identifiers: Orphanet 871, MedGen C1970298, MONDO:0011474, OMIM 604559.
Erythrokeratodermia variabilis et progressiva 6. Identifiers: MedGen C5193144, MONDO:0032801, OMIM 618531.
Cardiovascular phenotype. Identifiers: MedGen CN230736.

Allele frequency attached by ClinVar (database versions not stated): ExAC 0.00001; gnomAD exomes 0.00002 and 0.00008; gnomAD 0.00003.
gnomAD v4.1: 113 of 1,611,204 alleles (0.007%); highest among the groups gnomAD compares: Non-Finnish European, 0.0092%; no homozygotes.

Submissions (3):

Labcorp Genetics (formerly Invitae), Labcorp
Classification: Uncertain significance for Progressive familial heart block type IB. Last evaluated: 2026-01-26. Review status: criteria provided, single submitter. Criteria: Invitae Variant Classification Sherloc (09022015). Collection method: clinical testing. Allele origin: germline.
Comment: This sequence change affects a donor splice site in intron 18 of the TRPM4 gene. It is expected to disrupt RNA splicing. Variants that disrupt the donor or acceptor splice site typically lead to a loss of protein function (PMID: 16199547), however the current clinical and genetic evidence is not sufficient to establish whether loss-of-function variants in TRPM4 cause disease. This variant is present in population databases (rs756554490, gnomAD 0.006%). This variant has not been reported in the literature in individuals affected with TRPM4-related conditions. ClinVar contains an entry for this variant (Variation ID: 1061455). Algorithms developed to predict the effect of sequence changes on RNA splicing suggest that this variant may disrupt the consensus splice site. In summary, the available evidence is currently insufficient to determine the role of this variant in disease. Therefore, it has been classified as a Variant of Uncertain Significance.

Ambry Genetics
Classification: Uncertain significance for Cardiovascular phenotype. Last evaluated: 2025-10-17. Review status: criteria provided, single submitter. Criteria: Ambry Variant Classification Scheme 2023. Collection method: clinical testing. Allele origin: germline.
Comment: The c.2778+1G>A intronic variant results from a G to A substitution one nucleotide after coding exon 18 of the TRPM4 gene. This nucleotide position is highly conserved in available vertebrate species. In silico splice site analysis predicts that this alteration will weaken the native splice donor site and will result in the creation or strengthening of a novel splice donor site. Alterations that disrupt the canonical splice site are expected to cause aberrant splicing, resulting in an abnormal protein or a transcript that is subject to nonsense-mediated mRNA decay. However, loss of function has not been established as a mechanism of disease. Based on the available evidence, the clinical significance of this alteration remains unclear.

Fulgent Genetics
Classification: Uncertain significance for Progressive familial heart block type IB; Erythrokeratodermia variabilis et progressiva 6. Last evaluated: 2021-09-21. Review status: criteria provided, single submitter. Criteria: ACMG Guidelines, 2015. Collection method: clinical testing. Allele origin: unknown.

Literature cited by the submitters: PubMed 16199547 (cited by Labcorp Genetics (formerly Invitae), Labcorp).